The following is an entry in ClinVar:

ClinVar aggregate classification (germline): Uncertain significance (1 of 4 stars; one submission).

Allele frequency attached by ClinVar (database versions not stated): ExAC 0.00006.
gnomAD v4.1: 26 of 1,613,954 alleles (0.0016%); highest among the groups gnomAD compares: Middle Eastern, 0.016%; no homozygotes.

Submission:

Labcorp Genetics (formerly Invitae), Labcorp
Classification: Uncertain significance. Last evaluated: 2025-02-10. Review status: criteria provided, single submitter. Criteria: Invitae Variant Classification Sherloc (09022015). Collection method: clinical testing. Allele origin: germline.
Comment: This sequence change replaces arginine, which is basic and polar, with glutamine, which is neutral and polar, at codon 643 of the AGAP1 protein (p.Arg643Gln). This variant is present in population databases (rs780245747, gnomAD 0.03%). This variant has not been reported in the literature in individuals affected with AGAP1-related conditions. ClinVar contains an entry for this variant (Variation ID: 2715660). An algorithm developed to predict the effect of missense changes on protein structure and function (PolyPhen-2) suggests that this variant is likely to be tolerated. In summary, the available evidence is currently insufficient to determine the role of this variant in disease. Therefore, it has been classified as a Variant of Uncertain Significance.

NM_001037131.3(AGAP1):c.2087G>A (p.Arg696Gln)

Gene: AGAP1 (ArfGAP with GTPase domain, ankyrin repeat and PH domain 1; plus strand). Cytogenetic location: 2q37.2.
Variant type: single nucleotide variant.
Coding change: c.2087G>A on transcript NM_001037131.3 (MANE Select); coding-DNA position 2087, G replaced by A.
Protein change: p.Arg696Gln; replaces arginine 696 with glutamine.
Molecular consequence: missense variant.
Genome position (GRCh38, 1-based): chr2:236,049,254, G>A. VCF-style: chr2-236049254-G-A. GRCh37 (hg19) VCF-style: chr2-236957898-G-A.
Other names: c.1928G>A, p.Arg643Gln (NM_014914.5); short protein forms R643Q, R696Q.
Identifiers: ClinVar variation 2715660 (VCV002715660.3), dbSNP rs780245747, ClinGen allele CA2185129.